The following is an entry in ClinVar:

ClinVar aggregate classification (germline): Uncertain significance. Review status: criteria provided, multiple submitters, no conflicts (2 of 4 stars). 2 submissions from 2 submitters: Uncertain significance (2). Last evaluated 2026-03-23.

Conditions:
Inborn genetic diseases. Identifiers: MedGen C0950123, MeSH D030342.

Allele frequency attached by ClinVar (database versions not stated): ESP Exome Variant Server 0.00008.
gnomAD v4.1: 141 of 1,612,036 alleles (0.0087%); highest among the groups gnomAD compares: Non-Finnish European, 0.011%; no homozygotes.

Submissions (2):

Ambry Genetics
Classification: Uncertain significance for Inborn genetic diseases. Last evaluated: 2026-03-23. Review status: criteria provided, single submitter. Criteria: Ambry Variant Classification Scheme 2023. Collection method: clinical testing. Allele origin: germline.
Comment: The c.885C>A (p.F295L) alteration is located in exon 10 (coding exon 8) of the ALPK1 gene. This alteration results from a C to A substitution at nucleotide position 885, causing the phenylalanine (F) at amino acid position 295 to be replaced by a leucine (L). Based on data from gnomAD, the A allele has an overall frequency of 0.003% (8/249330) total alleles studied. The highest observed frequency was 0.016% (1/6104) of Other alleles. Based on insufficient or conflicting evidence, the clinical significance of this alteration remains unclear.

Labcorp Genetics (formerly Invitae), Labcorp
Classification: Uncertain significance. Last evaluated: 2026-01-16. Review status: criteria provided, single submitter. Criteria: Invitae Variant Classification Sherloc (09022015). Collection method: clinical testing. Allele origin: germline.
Comment: This sequence change replaces phenylalanine, which is neutral and non-polar, with leucine, which is neutral and non-polar, at codon 295 of the ALPK1 protein (p.Phe295Leu). This variant is present in population databases (rs147634595, gnomAD 0.006%). This variant has not been reported in the literature in individuals affected with ALPK1-related conditions. ClinVar contains an entry for this variant (Variation ID: 2472400). Invitae Evidence Modeling of protein sequence and biophysical properties (such as structural, functional, and spatial information, amino acid conservation, physicochemical variation, residue mobility, and thermodynamic stability) indicates that this missense variant is expected to disrupt ALPK1 protein function with a positive predictive value of 80%. Algorithms developed to predict the effect of sequence changes on RNA splicing suggest that this variant may disrupt the consensus splice site. In summary, the available evidence is currently insufficient to determine the role of this variant in disease. Therefore, it has been classified as a Variant of Uncertain Significance.

NM_025144.4(ALPK1):c.885C>A (p.Phe295Leu)

Gene: ALPK1 (alpha kinase 1; plus strand). Cytogenetic location: 4q25.
Variant type: single nucleotide variant.
Coding change: c.885C>A on transcript NM_025144.4 (MANE Select); coding-DNA position 885, C replaced by A.
Protein change: p.Phe295Leu; replaces phenylalanine 295 with leucine.
Molecular consequence: missense variant.
Genome position (GRCh38, 1-based): chr4:112,429,238, C>A. VCF-style: chr4-112429238-C-A. GRCh37 (hg19) VCF-style: chr4-113350394-C-A.
Other names: c.885C>A, p.Phe295Leu (NM_001102406.2); c.651C>A, p.Phe217Leu (NM_001253884.2); short protein forms F217L, F295L.
Identifiers: ClinVar variation 2472400 (VCV002472400.6), dbSNP rs147634595, ClinGen allele CA3046595.
Genomic context (GRCh38, chr4:112,429,238, plus strand): 5'-GCTGTCCGCTGCAGAAGCCTGCAAGCTGGCAGCTGCCTTCAGTGCCTATACGCCGCTCTT[C>A]GTGCTCACAGCTGTGGTAAACGAATGCAGCCGCTCCTCAAACCCCCACAGGACCTCTCCC-3'
Protein context (NP_079420.3, residues 285-305): AAAFSAYTPL[Phe295Leu]VLTAVNIRGT